The following is an entry in ClinVar:

NM_000292.3(PHKA2):c.257G>A (p.Arg86Gln)

Gene: PHKA2 (phosphorylase kinase regulatory subunit alpha 2; minus strand). Cytogenetic location: Xp22.13.
Variant type: single nucleotide variant.
Coding change: c.257G>A on transcript NM_000292.3 (MANE Select); coding-DNA position 257, G replaced by A.
Protein change: p.Arg86Gln; replaces arginine 86 with glutamine.
Molecular consequence: missense variant.
Genome position (GRCh38, 1-based): chrX:18,952,522, C>T on the plus strand (G>A on the coding strand, the complement: PHKA2 is on the minus strand). VCF-style: chrX-18952522-C-T. GRCh37 (hg19) VCF-style: chrX-18970640-C-T.
Other names: c.257G>A, p.Arg86Gln (NM_001440800.1, NM_001440801.1, NM_001440802.1 and 3 more transcripts); short protein forms R86Q.
Identifiers: ClinVar variation 4754016 (VCV004754016.1).

ClinVar aggregate classification (germline): Uncertain significance (1 of 4 stars; one submission).

Conditions:
Glycogen storage disease IXa1. Also called: LIVER GLYCOGENOSIS, X-LINKED, TYPE I; GLYCOGEN STORAGE DISEASE VIII; GSD VIII; Glycogen storage disease 8. Identifiers: Orphanet 264580, MedGen C3694531, MONDO:0010598, OMIM 306000.

Submission:

Labcorp Genetics (formerly Invitae), Labcorp
Classification: Uncertain significance for Glycogen storage disease IXa1. Last evaluated: 2025-06-10. Review status: criteria provided, single submitter. Criteria: Invitae Variant Classification Sherloc (09022015). Collection method: clinical testing. Allele origin: germline.
Comment: This sequence change replaces arginine, which is basic and polar, with glutamine, which is neutral and polar, at codon 86 of the PHKA2 protein (p.Arg86Gln). This variant is present in population databases (rs759572855, gnomAD 0.01%). This variant has not been reported in the literature in individuals affected with PHKA2-related conditions. Invitae Evidence Modeling of protein sequence and biophysical properties (such as structural, functional, and spatial information, amino acid conservation, physicochemical variation, residue mobility, and thermodynamic stability) indicates that this missense variant is not expected to disrupt PHKA2 protein function with a negative predictive value of 80%. In summary, the available evidence is currently insufficient to determine the role of this variant in disease. Therefore, it has been classified as a Variant of Uncertain Significance.